The following is an entry in ClinVar:

NM_001367823.1(ARHGEF18):c.3168G>C (p.Leu1056=)

Gene: ARHGEF18 (Rho/Rac guanine nucleotide exchange factor 18; plus strand). Cytogenetic location: 19p13.2.
Variant type: single nucleotide variant.
Coding change: c.3168G>C on transcript NM_001367823.1 (MANE Select); coding-DNA position 3168, G replaced by C.
Protein change: p.Leu1056=; no amino-acid change (leucine 1056 retained).
Molecular consequence: synonymous variant.
Genome position (GRCh38, 1-based): chr19:7,467,372, G>C. VCF-style: chr19-7467372-G-C. GRCh37 (hg19) VCF-style: chr19-7532258-G-C.
Other names: c.2442G>C, p.Leu814= (NM_001130955.2); c.2130G>C, p.Leu710= (NM_001367824.1, NM_015318.4); c.2604G>C (NM_001130955.1).
Identifiers: ClinVar variation 1132774 (VCV001132774.27), dbSNP rs371328822, ClinGen allele CA9137122.

ClinVar aggregate classification (germline): Likely benign. Review status: criteria provided, multiple submitters, no conflicts (2 of 4 stars). 6 submissions from 6 submitters: Likely benign (3). 3 of the submissions do not count toward it. Last evaluated 2026-01-26.

Conditions:
ARHGEF18-related disorder. Also called: ARHGEF18-related condition.

Allele frequency attached by ClinVar (database versions not stated): 1000 Genomes Project 0.00220; 1000 Genomes Project 30x 0.00265; ExAC 0.00026.
gnomAD v4.1: 251 of 1,534,016 alleles (0.016%); highest among the groups gnomAD compares: East Asian, 0.22%; 2 homozygotes.

Submissions (6):

Labcorp Genetics (formerly Invitae), Labcorp
Classification: Likely benign. Last evaluated: 2026-01-26. Review status: criteria provided, single submitter. Criteria: Invitae Variant Classification Sherloc (09022015). Collection method: clinical testing. Allele origin: germline.

CeGaT Center for Human Genetics Tuebingen
Classification: Likely benign. Last evaluated: 2025-02-01. Review status: criteria provided, single submitter. Criteria: CeGaT Center For Human Genetics Tuebingen Variant Classification Criteria Version 2. Collection method: clinical testing. Allele origin: germline. Affected: yes. Observed: 1 variant allele.
Comment: ARHGEF18: BP4, BP7

Blueprint Genetics
Classification: Likely benign. Last evaluated: 2024-10-04. Review status: criteria provided, single submitter. Criteria: ACMG Guidelines, 2015. Collection method: clinical testing. Allele origin: germline.

PreventionGenetics, part of Exact Sciences
Classification: Likely benign for ARHGEF18-related condition. Last evaluated: 2024-03-25. Review status: no assertion criteria provided. Collection method: clinical testing. Allele origin: germline. Not counted in ClinVar's aggregate classification.
Comment: This variant is classified as likely benign based on ACMG/AMP sequence variant interpretation guidelines (Richards et al. 2015 PMID: 25741868, with internal and published modifications).

Clinical Genetics DNA and cytogenetics Diagnostics Lab, Erasmus MC, Erasmus Medical Center
Classification: Likely benign. Review status: no assertion criteria provided. Collection method: clinical testing. Allele origin: germline. Affected: yes. Study: VKGL Data-share Consensus. Not counted in ClinVar's aggregate classification.

Clinical Genetics, Academic Medical Center
Classification: Benign. Review status: no assertion criteria provided. Collection method: clinical testing. Allele origin: germline. Affected: yes. Study: VKGL Data-share Consensus. Not counted in ClinVar's aggregate classification.